The following is an entry in ClinVar:

ClinVar aggregate classification (germline): Uncertain significance (1 of 4 stars; one submission).

Conditions:
Inborn genetic diseases. Identifiers: MedGen C0950123, MeSH D030342.

gnomAD v4.1: 4 of 1,613,068 alleles (0.00025%); highest among the groups gnomAD compares: Non-Finnish European, 0.00034%; no homozygotes.

Submission:

Ambry Genetics
Classification: Uncertain significance for Inborn genetic diseases. Last evaluated: 2025-02-04. Review status: criteria provided, single submitter. Criteria: Ambry Variant Classification Scheme 2023. Collection method: clinical testing. Allele origin: germline.
Comment: The p.N570Y variant (also known as c.1708A>T), located in coding exon 7 of the SH2B3 gene, results from an A to T substitution at nucleotide position 1708. The asparagine at codon 570 is replaced by tyrosine, an amino acid with dissimilar properties. This amino acid position is conserved. In addition, the in silico prediction for this alteration is inconclusive. Based on the available evidence, the clinical significance of this variant remains unclear.

NM_005475.3(SH2B3):c.1708A>T (p.Asn570Tyr)

Gene: SH2B3 (SH2B adaptor protein 3; plus strand). Cytogenetic location: 12q24.12.
Variant type: single nucleotide variant.
Coding change: c.1708A>T on transcript NM_005475.3 (MANE Select); coding-DNA position 1708, A replaced by T.
Protein change: p.Asn570Tyr; replaces asparagine 570 with tyrosine.
Molecular consequence: missense variant.
Genome position (GRCh38, 1-based): chr12:111,448,282, A>T. VCF-style: chr12-111448282-A-T. GRCh37 (hg19) VCF-style: chr12-111886086-A-T.
Other names: c.1102A>T, p.Asn368Tyr (NM_001291424.1); short protein forms N368Y, N570Y.
Identifiers: ClinVar variation 3795165 (VCV003795165.1).